The following is an entry in ClinVar:

ClinVar aggregate classification (germline): Uncertain significance (1 of 4 stars; one submission).

Conditions:
GM3 synthase deficiency (SPDRS). Also called: SALT AND PEPPER MENTAL RETARDATION SYNDROME; SALT AND PEPPER DEVELOPMENTAL REGRESSION SYNDROME; AMISH INFANTILE EPILEPSY SYNDROME. Identifiers: Orphanet 171714, Orphanet 370933, MedGen C1836824, MONDO:0018274, OMIM 609056.

Submission:

Labcorp Genetics (formerly Invitae), Labcorp
Classification: Uncertain significance for GM3 synthase deficiency. Last evaluated: 2020-07-08. Review status: criteria provided, single submitter. Criteria: Invitae Variant Classification Sherloc (09022015). Collection method: clinical testing. Allele origin: germline.
Comment: In summary, the available evidence is currently insufficient to determine the role of this variant in disease. Therefore, it has been classified as a Variant of Uncertain Significance. Algorithms developed to predict the effect of missense changes on protein structure and function (SIFT, PolyPhen-2, Align-GVGD) all suggest that this variant is likely to be disruptive, but these predictions have not been confirmed by published functional studies and their clinical significance is uncertain. This variant has not been reported in the literature in individuals with ST3GAL5-related conditions. This variant is not present in population databases (ExAC no frequency). This sequence change replaces cysteine with tyrosine at codon 120 of the ST3GAL5 protein (p.Cys120Tyr). The cysteine residue is highly conserved and there is a large physicochemical difference between cysteine and tyrosine.

NM_003896.4(ST3GAL5):c.359G>A (p.Cys120Tyr)

Gene: ST3GAL5 (ST3 beta-galactoside alpha-2,3-sialyltransferase 5; minus strand). Cytogenetic location: 2p11.2.
Variant type: single nucleotide variant.
Coding change: c.359G>A on transcript NM_003896.4 (MANE Select); coding-DNA position 359, G replaced by A.
Protein change: p.Cys120Tyr; replaces cysteine 120 with tyrosine.
Molecular consequence: missense variant. On other transcripts: 5 prime UTR variant (7).
Genome position (GRCh38, 1-based): chr2:85,848,164, C>T on the plus strand (G>A on the coding strand, the complement: ST3GAL5 is on the minus strand). VCF-style: chr2-85848164-C-T. GRCh37 (hg19) VCF-style: chr2-86075287-C-T.
Other names: c.-26G>A (NM_001354226.2, NM_001354233.2, NM_001354234.1 and 3 more transcripts); c.275G>A, p.Cys92Tyr (NM_001354227.2, NM_001354229.2, NM_001354238.1); c.-546G>A (NM_001354247.1); c.359G>A, p.Cys120Tyr (NM_001363847.1); c.290G>A, p.Cys97Tyr (NM_001042437.2); short protein forms C120Y, C92Y, C97Y.
Identifiers: ClinVar variation 1019394 (VCV001019394.9), dbSNP rs1683042112, ClinGen allele CA347532907.